The following is an entry in ClinVar:

NM_001329943.3(KIAA0586):c.2953A>G (p.Thr985Ala)

Gene: KIAA0586 (KIAA0586; plus strand). Cytogenetic location: 14q23.1.
Variant type: single nucleotide variant.
Coding change: c.2953A>G on transcript NM_001329943.3 (MANE Select); coding-DNA position 2953, A replaced by G.
Protein change: p.Thr985Ala; replaces threonine 985 with alanine.
Molecular consequence: missense variant.
Genome position (GRCh38, 1-based): chr14:58,482,521, A>G. VCF-style: chr14-58482521-A-G. GRCh37 (hg19) VCF-style: chr14-58949239-A-G.
Other names: c.3112A>G, p.Thr1038Ala (NM_001244189.2); c.2908A>G, p.Thr970Ala (NM_001244190.2); c.2698A>G, p.Thr900Ala (NM_001244191.2, NM_001364700.1, NM_001329945.2 and 1 more transcripts); c.2953A>G, p.Thr985Ala (NM_001329947.2, NM_001329944.2, NM_001329946.2); c.2821A>G, p.Thr941Ala (NM_001244192.2); c.2533A>G, p.Thr845Ala (NM_001244193.2); c.2725A>G, p.Thr909Ala (NM_014749.5); short protein forms T845A, T900A, T941A, T970A, T1038A, T909A, T985A.
Identifiers: ClinVar variation 2926158 (VCV002926158.3), dbSNP rs2042107052, ClinGen allele CA389879586.
Genomic context (GRCh38, chr14:58,482,521, plus strand): 5'-TTGCAAGCATGTTTCTTGCCCACTTATTCTGATTTTTTTTTTTTACTTTTAGTGGAAGGA[A>G]CAAGCAGTGGCGCCCTCCAGCTTTTTGTTGATGCTGGTGTTCCTGTGAACTCAAATGTGA-3'
Protein context (NP_001316872.1, residues 975-995): EPLTSDIVEG[Thr985Ala]SSGALQLFVD

ClinVar aggregate classification (germline): Uncertain significance (1 of 4 stars; one submission).

Conditions:
Short-rib thoracic dysplasia 14 with polydactyly (SRTD14). Identifiers: Orphanet 397715, MedGen C4225286, MONDO:0014688, OMIM 616546.
Joubert syndrome 23 (JBTS23). Identifiers: Orphanet 475, MedGen C4084822, MONDO:0014664, OMIM 616490.

Submission:

Labcorp Genetics (formerly Invitae), Labcorp
Classification: Uncertain significance for Joubert syndrome 23; Short-rib thoracic dysplasia 14 with polydactyly. Last evaluated: 2023-10-07. Review status: criteria provided, single submitter. Criteria: Invitae Variant Classification Sherloc (09022015). Collection method: clinical testing. Allele origin: germline.
Comment: This sequence change replaces threonine, which is neutral and polar, with alanine, which is neutral and non-polar, at codon 1038 of the KIAA0586 protein (p.Thr1038Ala). This variant is not present in population databases (gnomAD no frequency). This variant has not been reported in the literature in individuals affected with KIAA0586-related conditions. Advanced modeling of protein sequence and biophysical properties (such as structural, functional, and spatial information, amino acid conservation, physicochemical variation, residue mobility, and thermodynamic stability) performed at Invitae indicates that this missense variant is not expected to disrupt KIAA0586 protein function. In summary, the available evidence is currently insufficient to determine the role of this variant in disease. Therefore, it has been classified as a Variant of Uncertain Significance.